The following is an entry in ClinVar:

ClinVar aggregate classification (germline): Uncertain significance (1 of 4 stars; one submission).

Submission:

GeneDx
Classification: Uncertain significance. Last evaluated: 2021-10-12. Review status: criteria provided, single submitter. Criteria: GeneDx Variant Classification Process June 2021. Collection method: clinical testing. Allele origin: germline. Affected: yes.
Comment: Has not been previously published as pathogenic or benign to our knowledge; Not observed at significant frequency in large population cohorts (gnomAD); In silico analysis supports that this missense variant does not alter protein structure/function

NM_001007553.3(CSDE1):c.1987G>T (p.Ala663Ser)

Gene: CSDE1 (cold shock domain containing E1; minus strand). Cytogenetic location: 1p13.2.
Variant type: single nucleotide variant.
Coding change: c.1987G>T on transcript NM_001007553.3 (MANE Select); coding-DNA position 1987, G replaced by T.
Protein change: p.Ala663Ser; replaces alanine 663 with serine.
Molecular consequence: missense variant.
Genome position (GRCh38, 1-based): chr1:114,720,604, C>A on the plus strand (G>T on the coding strand, the complement: CSDE1 is on the minus strand). VCF-style: chr1-114720604-C-A. GRCh37 (hg19) VCF-style: chr1-115263225-C-A.
Other names: c.2032G>T, p.Ala678Ser (NM_001130523.3); c.2125G>T, p.Ala709Ser (NM_001242891.2); c.1987G>T, p.Ala663Ser (NM_001242892.2); c.1894G>T, p.Ala632Ser (NM_001242893.2, NM_007158.6); short protein forms A632S, A663S, A678S, A709S.
Identifiers: ClinVar variation 1676902 (VCV001676902.2), dbSNP rs2101008143, ClinGen allele CA341748066.
Genomic context (GRCh38, chr1:114,720,604, plus strand): 5'-CTTTCACACATTCCACTGTGGCCCTGCGCAGGGGTGTGATGTTGTAAGCCATAGTTTGTG[C>A]ATTTTGGCCCAGGACACACAATTGGAACTTGACGCTCTCCCCTTTCTGCAGGCAATCCCC-3'
Protein context (NP_001007554.1, residues 653-673): KFQLCVLGQN[Ala663Ser]QTMAYNITPL